The following is an entry in ClinVar:

NM_001009999.3(KDM1A):c.1362T>C (p.His454=)

Gene: KDM1A (lysine demethylase 1A; plus strand). Cytogenetic location: 1p36.12.
Variant type: single nucleotide variant.
Coding change: c.1362T>C on transcript NM_001009999.3 (MANE Select); coding-DNA position 1362, T replaced by C.
Protein change: p.His454=; no amino-acid change (histidine 454 retained).
Molecular consequence: synonymous variant.
Genome position (GRCh38, 1-based): chr1:23,069,100, T>C. VCF-style: chr1-23069100-T-C. GRCh37 (hg19) VCF-style: chr1-23395593-T-C.
Other names: c.1290T>C, p.His430= (NM_001363654.2, NM_001410763.1, NM_015013.4); c.1350T>C, p.His450= (NM_001410762.1); c.1362T>C (NM_001009999.2).
Identifiers: ClinVar variation 2751461 (VCV002751461.7), dbSNP rs150083149, ClinGen allele CA679717.

ClinVar aggregate classification (germline): Benign/Likely benign. Review status: criteria provided, multiple submitters, no conflicts (2 of 4 stars). 4 submissions from 4 submitters: Benign (1); Likely benign (2). 1 of the submissions does not count toward it. Last evaluated 2026-01-18.

Conditions:
Inborn genetic diseases. Identifiers: MedGen C0950123, MeSH D030342.
KDM1A-related disorder. Also called: KDM1A-related condition.

Allele frequency attached by ClinVar (database versions not stated): gnomAD exomes 0.00004; ExAC 0.00013; 1000 Genomes Project 30x 0.00031; ESP Exome Variant Server 0.00038; 1000 Genomes Project 0.00040; gnomAD 0.00042; TOPMed 0.00046.

Submissions (4):

Labcorp Genetics (formerly Invitae), Labcorp
Classification: Benign. Last evaluated: 2026-01-18. Review status: criteria provided, single submitter. Criteria: Invitae Variant Classification Sherloc (09022015). Collection method: clinical testing. Allele origin: germline.

Ambry Genetics
Classification: Likely benign for Inborn genetic diseases. Last evaluated: 2024-11-18. Review status: criteria provided, single submitter. Criteria: Ambry Variant Classification Scheme 2023. Collection method: clinical testing. Allele origin: germline.

Blueprint Genetics
Classification: Likely benign. Last evaluated: 2022-06-23. Review status: criteria provided, single submitter. Criteria: ACMG Guidelines, 2015. Collection method: clinical testing. Allele origin: germline.

PreventionGenetics, part of Exact Sciences
Classification: Likely benign for KDM1A-related condition. Last evaluated: 2024-01-05. Review status: no assertion criteria provided. Collection method: clinical testing. Allele origin: germline. Not counted in ClinVar's aggregate classification.
Comment: This variant is classified as likely benign based on ACMG/AMP sequence variant interpretation guidelines (Richards et al. 2015 PMID: 25741868, with internal and published modifications).